The following is an entry in ClinVar:

NM_001942.4(DSG1):c.373A>T (p.Ile125Phe)

Gene: DSG1 (desmoglein 1; plus strand). Cytogenetic location: 18q12.1.
Variant type: single nucleotide variant.
Coding change: c.373A>T on transcript NM_001942.4 (MANE Select); coding-DNA position 373, A replaced by T.
Protein change: p.Ile125Phe; replaces isoleucine 125 with phenylalanine.
Molecular consequence: missense variant.
Genome position (GRCh38, 1-based): chr18:31,329,892, A>T. VCF-style: chr18-31329892-A-T. GRCh37 (hg19) VCF-style: chr18-28909855-A-T.
Other names: c.373A>T (NM_001942.2); short protein forms I125F.
Identifiers: ClinVar variation 2769099 (VCV002769099.4), dbSNP rs2511044961, ClinGen allele CA402128451.

ClinVar aggregate classification (germline): Uncertain significance. Review status: criteria provided, multiple submitters, no conflicts (2 of 4 stars). 2 submissions from 2 submitters: Uncertain significance (2). Last evaluated 2024-01-04.

Conditions:
Inborn genetic diseases. Identifiers: MedGen C0950123, MeSH D030342.

gnomAD v4.1: 1 of 1,613,038 alleles (0.000062%); highest among the groups gnomAD compares: Non-Finnish European, 0.000085%; no homozygotes.

Submissions (2):

Ambry Genetics
Classification: Uncertain significance for Inborn genetic diseases. Last evaluated: 2024-01-04. Review status: criteria provided, single submitter. Criteria: Ambry Variant Classification Scheme 2023. Collection method: clinical testing. Allele origin: germline.

Labcorp Genetics (formerly Invitae), Labcorp
Classification: Uncertain significance. Last evaluated: 2023-06-21. Review status: criteria provided, single submitter. Criteria: Invitae Variant Classification Sherloc (09022015). Collection method: clinical testing. Allele origin: germline.
Comment: This sequence change replaces isoleucine, which is neutral and non-polar, with phenylalanine, which is neutral and non-polar, at codon 125 of the DSG1 protein (p.Ile125Phe). This variant is not present in population databases (gnomAD no frequency). This variant has not been reported in the literature in individuals affected with DSG1-related conditions. An algorithm developed to predict the effect of missense changes on protein structure and function (PolyPhen-2) suggests that this variant is likely to be disruptive. In summary, the available evidence is currently insufficient to determine the role of this variant in disease. Therefore, it has been classified as a Variant of Uncertain Significance.